The following is an entry in ClinVar:

NM_000463.3(UGT1A1):c.596C>T (p.Ser199Phe)

Genes: UGT1A (UDP glucuronosyltransferase family 1 member A complex locus; plus strand), UGT1A1 (UDP glucuronosyltransferase family 1 member A1; plus strand), UGT1A10 (UDP glucuronosyltransferase family 1 member A10; plus strand), UGT1A3 (UDP glucuronosyltransferase family 1 member A3; plus strand), UGT1A4 (UDP glucuronosyltransferase family 1 member A4; plus strand) and 5 more. Cytogenetic location: 2q37.1.
Variant type: single nucleotide variant.
Coding change: c.596C>T on transcript NM_000463.3 (MANE Select); coding-DNA position 596, C replaced by T.
Protein change: p.Ser199Phe; replaces serine 199 with phenylalanine.
Molecular consequence: missense variant. On other transcripts: intron variant (9).
Genome position (GRCh38, 1-based): chr2:233,760,883, C>T. VCF-style: chr2-233760883-C-T. GRCh37 (hg19) VCF-style: chr2-234669529-C-T.
Other names: c.856-6151C>T (NM_019076.5, NM_019075.4, NM_021027.3 and 1 more transcripts); c.61-6151C>T (NM_205862.3); c.862-6151C>T (NM_001072.4); c.868-6151C>T (NM_019078.2, NM_007120.3, NM_019093.4); short protein forms S199F.
Identifiers: ClinVar variation 4992612 (VCV004992612.1).
Genomic context (GRCh38, chr2:233,760,883, plus strand): 5'-TGGAATTTGAGGCTACCCAGTGCCCCAACCCATTCTCCTACGTGCCCAGGCCTCTCTCCT[C>T]TCATTCAGATCACATGACCTTCCTGCAGCGGGTGAAGAACATGCTCATTGCCTTTTCACA-3'
Protein context (NP_000454.1, residues 189-209): PFSYVPRPLS[Ser199Phe]HSDHMTFLQR

ClinVar aggregate classification (germline): Uncertain significance (1 of 4 stars; one submission).

Conditions:
UGT1A1-related disorder. Also called: UGT1A1-related disorders; UGT1A1-related condition.

gnomAD v4.1: 3 of 1,614,168 alleles (0.00019%); highest among the groups gnomAD compares: South Asian, 0.0022%; no homozygotes.

Submission:

PreventionGenetics, part of Exact Sciences
Classification: Uncertain significance for UGT1A1-related condition. Last evaluated: 2026-02-18. Review status: criteria provided, single submitter. Criteria: ACMG Guidelines, 2015. Collection method: clinical testing. Allele origin: germline.
Comment: The UGT1A1 c.596C>T variant is predicted to result in the amino acid substitution p.Ser199Phe. To our knowledge, this variant has not been reported in the literature. An alternate missense change at the same amino acid position (p.Ser199Cys) has been reported in an individual with hyperbilirubinemia (Chen et al. 2014. PubMed ID: 25200497). This variant is reported in 0.0033% of alleles in individuals of South Asian descent in gnomAD. At this time, the clinical significance of this variant is uncertain due to the absence of conclusive functional and genetic evidence.